The following is an entry in ClinVar:

NM_015354.3(NUP188):c.1354C>T (p.Arg452Ter)

Gene: NUP188 (nucleoporin 188; plus strand). Cytogenetic location: 9q34.11.
Variant type: single nucleotide variant.
Coding change: c.1354C>T on transcript NM_015354.3 (MANE Select); coding-DNA position 1354, C replaced by T.
Protein change: p.Arg452Ter; replaces arginine 452 with a stop codon.
Molecular consequence: nonsense.
Genome position (GRCh38, 1-based): chr9:128,980,690, C>T. VCF-style: chr9-128980690-C-T. GRCh37 (hg19) VCF-style: chr9-131742969-C-T.
Other names: short protein forms R452*.
Identifiers: ClinVar variation 5001034 (VCV005001034.1).

ClinVar aggregate classification (germline): Likely pathogenic (1 of 4 stars; one submission).

Conditions:
NUP188-related disorder. Also called: NUP188-related condition.

gnomAD v4.1: 4 of 1,613,964 alleles (0.00025%); highest among the groups gnomAD compares: African/African-American, 0.0013%; no homozygotes.

Submission:

PreventionGenetics, part of Exact Sciences
Classification: Likely pathogenic for NUP188-related condition. Last evaluated: 2025-05-30. Review status: criteria provided, single submitter. Criteria: ACMG Guidelines, 2015. Collection method: clinical testing. Allele origin: germline.
Comment: The NUP188 c.1354C>T variant is predicted to result in premature protein termination (p.Arg452*). To our knowledge, this variant has not been reported in the literature. This variant is reported in 0.0062% of alleles in individuals of African descent in gnomAD. Nonsense variants in NUP188 are expected to be pathogenic. This variant is interpreted as likely pathogenic.